The following is an entry in ClinVar:

NM_001365951.3(KIF1B):c.231T>G (p.Ile77Met)

Gene: KIF1B (kinesin family member 1B; plus strand). Cytogenetic location: 1p36.22.
Variant type: single nucleotide variant.
Coding change: c.231T>G on transcript NM_001365951.3 (MANE Select); coding-DNA position 231, T replaced by G.
Protein change: p.Ile77Met; replaces isoleucine 77 with methionine.
Molecular consequence: missense variant.
Genome position (GRCh38, 1-based): chr1:10,258,540, T>G. VCF-style: chr1-10258540-T-G. GRCh37 (hg19) VCF-style: chr1-10318598-T-G.
Other names: c.231T>G, p.Ile77Met (NM_001365952.1, NM_001365953.1, NM_015074.3 and 1 more transcripts); short protein forms I77M.
Identifiers: ClinVar variation 2448733 (VCV002448733.2), dbSNP rs2523465350, ClinGen allele CA338324946.
Genomic context (GRCh38, chr1:10,258,540, plus strand): 5'-TTACTCTTTACAGCCCGAAGATCCCTGTTTTGCATCTCAAAACCGTGTGTACAATGACAT[T>G]GGCAAGGAAATGCTCTTACACGCCTTTGAGGGATATAATGTCTGTATTTTTGCCTATGGG-3'
Protein context (NP_001352880.1, residues 67-87): FASQNRVYND[Ile77Met]GKEMLLHAFE

ClinVar aggregate classification (germline): Uncertain significance (1 of 4 stars; one submission).

Allele frequency attached by ClinVar (database versions not stated): gnomAD exomes below 0.00001.
gnomAD v4.1: 1 of 1,614,182 alleles (0.000062%); highest among the groups gnomAD compares: Non-Finnish European, 0.000085%; no homozygotes.

Submission:

Ambry Genetics
Classification: Uncertain significance. Last evaluated: 2022-12-18. Review status: criteria provided, single submitter. Criteria: Ambry Variant Classification Scheme 2023. Collection method: clinical testing. Allele origin: germline.
Comment: The p.I77M variant (also known as c.231T>G), located in coding exon 3 of the KIF1B gene, results from a T to G substitution at nucleotide position 231. The isoleucine at codon 77 is replaced by methionine, an amino acid with highly similar properties. This amino acid position is conserved. In addition, the in silico prediction for this alteration is inconclusive. Since supporting evidence is limited at this time, the clinical significance of this alteration remains unclear.